The following is an entry in ClinVar:

ClinVar aggregate classification (germline): Pathogenic (1 of 4 stars; one submission).

Conditions:
Hereditary breast ovarian cancer syndrome. Also called: Hereditary breast and ovarian cancer syndrome (HBOC); Hereditary breast and ovarian cancer; Breast and ovarian cancer; BRCA1- and BRCA2-Associated Hereditary Breast and Ovarian Cancer; Hereditary breast and ovarian cancer syndrome; Hereditary breast and/or ovarian cancer syndrome. Identifiers: Orphanet 145, MedGen C0677776, MeSH D061325, MONDO:0003582. Disease mechanism: loss of function.

Submission:

Labcorp Genetics (formerly Invitae), Labcorp
Classification: Pathogenic for Hereditary breast ovarian cancer syndrome. Last evaluated: 2019-03-28. Review status: criteria provided, single submitter. Criteria: Invitae Variant Classification Sherloc (09022015). Collection method: clinical testing. Allele origin: germline.
Comment: This sequence change creates a premature translational stop signal (p.Ser324Ilefs*17) in the BRCA1 gene. It is expected to result in an absent or disrupted protein product. This variant is not present in population databases (ExAC no frequency). This variant has not been reported in the literature in individuals with BRCA1-related conditions. Loss-of-function variants in BRCA1 are known to be pathogenic (PMID: 20104584). For these reasons, this variant has been classified as Pathogenic.

Literature cited by the submitters: PubMed 20104584.

NM_007294.4(BRCA1):c.971del (p.Ser324fs)

Gene: BRCA1 (BRCA1 DNA repair associated; minus strand). Cytogenetic location: 17q21.31.
Variant type: Deletion.
Coding change: c.971del on transcript NM_007294.4 (MANE Select); coding-DNA position 971, one base deleted (G; older notation c.971delG).
Protein change: p.Ser324fs; shifts the reading frame from serine 324.
Molecular consequence: frameshift variant. On other transcripts: intron variant (137).
Genome position (GRCh38, 1-based): chr17:43,094,560, C deleted on the plus strand (G on the coding strand, the reverse complement: BRCA1 is on the minus strand). VCF-style (leftmost placement, unchanged base first): chr17-43094559-AC-A. GRCh37 (hg19) VCF-style: chr17-41246576-AC-A.
Other names: c.761del, p.Ser254fs (NM_001407907.1, NM_001407908.1, NM_001407909.1 and 13 more transcripts); c.758del, p.Ser253fs (NM_001407915.1, NM_001407916.1, NM_001407917.1 and 9 more transcripts); c.848del, p.Ser283fs (NM_001407919.1, NM_001407937.1, NM_001407938.1 and 19 more transcripts); c.707del, p.Ser236fs (NM_001407920.1, NM_001407921.1, NM_001407922.1 and 9 more transcripts); c.845del, p.Ser282fs (NM_001407686.1, NM_001407687.1, NM_001407940.1 and 11 more transcripts); c.704del, p.Ser235fs (NM_001407936.1, NM_001407930.1, NM_001407931.1 and 2 more transcripts); c.830del, p.Ser277fs (NM_001407942.1, NM_001407945.1, NM_001407944.1 and 29 more transcripts); c.638del, p.Ser213fs (NM_001407946.1, NM_001407947.1, NM_001407948.1 and 6 more transcripts); and 41 more; short protein forms S324fs, S277fs, S156fs, S254fs, S28fs, S298fs, S196fs, S256fs.
Identifiers: ClinVar variation 946287 (VCV000946287.9), dbSNP rs2054014288, ClinGen allele CA1139664801.